The following is an entry in ClinVar:

ClinVar aggregate classification (germline): Uncertain significance. Review status: criteria provided, multiple submitters, no conflicts (2 of 4 stars). 2 submissions from 2 submitters: Uncertain significance (2). Last evaluated 2025-04-24.

Conditions:
Inborn genetic diseases. Identifiers: MedGen C0950123, MeSH D030342.

Allele frequency attached by ClinVar (database versions not stated): gnomAD 0.00001; gnomAD exomes 0.00001; TOPMed 0.00002.

Submissions (2):

Labcorp Genetics (formerly Invitae), Labcorp
Classification: Uncertain significance. Last evaluated: 2025-04-24. Review status: criteria provided, single submitter. Criteria: Invitae Variant Classification Sherloc (09022015). Collection method: clinical testing. Allele origin: germline.
Comment: This sequence change replaces alanine, which is neutral and non-polar, with serine, which is neutral and polar, at codon 1230 of the DUOX2 protein (p.Ala1230Ser). This variant is present in population databases (no rsID available, gnomAD 0.002%). This variant has not been reported in the literature in individuals affected with DUOX2-related conditions. ClinVar contains an entry for this variant (Variation ID: 1464605). Invitae Evidence Modeling of protein sequence and biophysical properties (such as structural, functional, and spatial information, amino acid conservation, physicochemical variation, residue mobility, and thermodynamic stability) indicates that this missense variant is not expected to disrupt DUOX2 protein function with a negative predictive value of 80%. In summary, the available evidence is currently insufficient to determine the role of this variant in disease. Therefore, it has been classified as a Variant of Uncertain Significance.

Ambry Genetics
Classification: Uncertain significance for Inborn genetic diseases. Last evaluated: 2024-09-20. Review status: criteria provided, single submitter. Criteria: Ambry Variant Classification Scheme 2023. Collection method: clinical testing. Allele origin: germline.

NM_001363711.2(DUOX2):c.3688G>T (p.Ala1230Ser)

Gene: DUOX2 (dual oxidase 2; minus strand). Cytogenetic location: 15q21.1.
Variant type: single nucleotide variant.
Coding change: c.3688G>T on transcript NM_001363711.2 (MANE Select); coding-DNA position 3688, G replaced by T.
Protein change: p.Ala1230Ser; replaces alanine 1230 with serine.
Molecular consequence: missense variant.
Genome position (GRCh38, 1-based): chr15:45,097,619, C>A on the plus strand (G>T on the coding strand, the complement: DUOX2 is on the minus strand). VCF-style: chr15-45097619-C-A. GRCh37 (hg19) VCF-style: chr15-45389817-C-A.
Other names: c.3688G>T, p.Ala1230Ser (NM_014080.5); c.3688G>T (NM_014080.4); short protein forms A1230S.
Identifiers: ClinVar variation 1464605 (VCV001464605.5), dbSNP rs1471293570, ClinGen allele CA392255527.
Genomic context (GRCh38, chr15:45,097,619, plus strand): 5'-TCCTGTCCCATCCTGAGCTCCCTGCTCCATGGGCTGGCCCAGGGAAGTCCCTCACCAGGG[C>A]ATAGAGCAGGATGTAGAGGTGGTGGGTCAGCCAGAAGCCCCGGAAGCTGCGGCGGCGGAA-3'
Protein context (NP_001350640.1, residues 1220-1240): LTHHLYILLY[Ala1230Ser]LLIIHGSYAL